The following is an entry in ClinVar:

NM_004004.6(GJB2):c.550C>G (p.Arg184Gly)

Gene: GJB2 (gap junction protein beta 2; minus strand). Cytogenetic location: 13q12.11.
Variant type: single nucleotide variant.
Coding change: c.550C>G on transcript NM_004004.6 (MANE Select); coding-DNA position 550, C replaced by G.
Protein change: p.Arg184Gly; replaces arginine 184 with glycine.
Molecular consequence: missense variant.
Genome position (GRCh38, 1-based): chr13:20,189,032, G>C on the plus strand (C>G on the coding strand, the complement: GJB2 is on the minus strand). VCF-style: chr13-20189032-G-C. GRCh37 (hg19) VCF-style: chr13-20763171-G-C.
Other names: short protein forms R184G.
Identifiers: ClinVar variation 4535899 (VCV004535899.1).

ClinVar aggregate classification (germline): Likely pathogenic (1 of 4 stars; one submission).

Conditions:
Nonsyndromic genetic hearing loss. Also called: Nonsyndromic genetic deafness; Non-syndromic genetic deafness; Nonsyndromic hearing loss and deafness. Identifiers: Orphanet 87884, MedGen C5680182, MONDO:0019497.

Submission:

Women's Health and Genetics/Laboratory Corporation of America, LabCorp
Classification: Likely pathogenic for Nonsyndromic genetic hearing loss. Last evaluated: 2025-09-02. Review status: criteria provided, single submitter. Criteria: LabCorp Variant Classification Summary - May 2015. Collection method: clinical testing. Allele origin: germline.
Comment: Variant summary: GJB2 c.550C>G (p.Arg184Gly) results in a non-conservative amino acid change in the encoded protein sequence. Algorithms developed to predict the effect of missense changes on protein structure and function all suggest that this variant is likely to be disruptive. The variant was absent in 251266 control chromosomes (gnomAD). c.550C>G has been observed in an individual affected with Non-Syndromic Hearing Loss (Zoll_2003). Other variants affecting the same codon have been classified as pathogenic by our lab (c.550C>T/p.Arg184Trp, c.551G>A/p.Arg184Gln, c.551G>C/p.Arg184Pro), supporting the critical relevance of codon 184 to GJB2 protein function. To our knowledge, no experimental evidence demonstrating an impact on protein function has been reported. The following publication has been ascertained in the context of this evaluation (PMID: 12497637). No submitters have cited clinical-significance assessments for this variant to ClinVar. Based on the evidence outlined above, the variant was classified as likely pathogenic.

Literature cited by the submitters: PubMed 12497637.